The following is an entry in ClinVar:

NM_002519.3(NPAT):c.2001A>C (p.Lys667Asn)

Gene: NPAT (nuclear protein, coactivator of histone transcription; minus strand). Cytogenetic location: 11q22.3.
Variant type: single nucleotide variant.
Coding change: c.2001A>C on transcript NM_002519.3 (MANE Select); coding-DNA position 2001, A replaced by C.
Protein change: p.Lys667Asn; replaces lysine 667 with asparagine.
Molecular consequence: missense variant.
Genome position (GRCh38, 1-based): chr11:108,172,983, T>G on the plus strand (A>C on the coding strand, the complement: NPAT is on the minus strand). VCF-style: chr11-108172983-T-G. GRCh37 (hg19) VCF-style: chr11-108043710-T-G.
Other names: c.2001A>C, p.Lys667Asn (NM_001321307.1); short protein forms K667N.
Identifiers: ClinVar variation 1784245 (VCV001784245.3), dbSNP rs371874908, ClinGen allele CA6263908.

ClinVar aggregate classification (germline): Uncertain significance (1 of 4 stars; one submission).

Allele frequency attached by ClinVar (database versions not stated): ExAC 0.00001; ESP Exome Variant Server 0.00017.
gnomAD v4.1: 10 of 1,614,128 alleles (0.00062%); highest among the groups gnomAD compares: Non-Finnish European, 0.00085%; no homozygotes.

Submission:

Ambry Genetics
Classification: Uncertain significance. Last evaluated: 2023-06-12. Review status: criteria provided, single submitter. Criteria: Ambry Variant Classification Scheme 2023. Collection method: clinical testing. Allele origin: germline.
Comment: The p.K667N variant (also known as c.2001A>C), located in coding exon 13 of the NPAT gene, results from an A to C substitution at nucleotide position 2001. The lysine at codon 667 is replaced by asparagine, an amino acid with similar properties. This amino acid position is conserved. In addition, this alteration is predicted to be tolerated by in silico analysis. Since supporting evidence is limited at this time, the clinical significance of this alteration remains unclear.